The following is an entry in ClinVar:

NM_000059.4(BRCA2):c.2245_2246insTTCAAAAGTGGAATTCAAAA (p.Ser749fs)

Gene: BRCA2 (BRCA2 DNA repair associated; plus strand). Cytogenetic location: 13q13.1.
Variant type: Insertion.
Coding change: c.2245_2246insTTCAAAAGTGGAATTCAAAA on transcript NM_000059.4 (MANE Select); coding-DNA positions 2245 to 2246, TTCAAAAGTGGAATTCAAAA inserted.
Protein change: p.Ser749fs; shifts the reading frame from serine 749.
Molecular consequence: frameshift variant.
Genome position: GRCh38 VCF-style: chr13-32336599-C-CATTCAAAAGTGGAATTCAAA. GRCh37 (hg19) VCF-style: chr13-32910736-C-CATTCAAAAGTGGAATTCAAA.
Other names: 2473_2474insTTCAAAAGTGGAATTCAAAA; short protein forms S749fs.
Identifiers: ClinVar variation 266688 (VCV000266688.5), dbSNP rs886040415, ClinGen allele CA10589144.

ClinVar aggregate classification (germline): Pathogenic. Review status: reviewed by expert panel (3 of 4 stars). 2 submissions from 2 submitters: Pathogenic (1). 1 of the submissions does not count toward it. Last evaluated 2016-10-18.

Conditions:
Breast-ovarian cancer, familial, susceptibility to, 2 (BROVCA2). Also called: BRCA2 Hereditary Breast and Ovarian Cancer. Identifiers: Orphanet 145, MedGen C2675520, MONDO:0012933, OMIM 612555. Disease mechanism: loss of function.

Submissions (2):

Evidence-based Network for the Interpretation of Germline Mutant Alleles (ENIGMA)
Classification: Pathogenic for Breast-ovarian cancer, familial, susceptibility to, 2. Last evaluated: 2016-10-18. Review status: reviewed by expert panel. Criteria: ENIGMA BRCA1/2 Classification Criteria (2015). Collection method: curation. Allele origin: germline.
Comment: Variant allele predicted to encode a truncated non-functional protein.

Consortium of Investigators of Modifiers of BRCA1/2 (CIMBA), c/o University of Cambridge
Classification: Pathogenic for Breast-ovarian cancer, familial, susceptibility to, 2. Last evaluated: 2015-10-02. Review status: criteria provided, single submitter. Criteria: CIMBA Mutation Classification guidelines May 2016. Collection method: clinical testing. Allele origin: germline. Not counted in ClinVar's aggregate classification.